The following is an entry in ClinVar:

ClinVar aggregate classification (germline): Likely benign. Review status: criteria provided, single submitter (1 of 4 stars). 2 submissions from 2 submitters: Likely benign (1). 1 of the submissions does not count toward it. Last evaluated 2025-08-14.

Conditions:
COL11A2-related disorder. Also called: COL11A2-related condition; COL11A2-related disorders.

Submissions (2):

Labcorp Genetics (formerly Invitae), Labcorp
Classification: Likely benign. Last evaluated: 2025-08-14. Review status: criteria provided, single submitter. Criteria: Invitae Variant Classification Sherloc (09022015). Collection method: clinical testing. Allele origin: germline.

PreventionGenetics, part of Exact Sciences
Classification: Likely benign for COL11A2-related condition. Last evaluated: 2021-02-11. Review status: no assertion criteria provided. Collection method: clinical testing. Allele origin: germline. Not counted in ClinVar's aggregate classification.
Comment: This variant is classified as likely benign based on ACMG/AMP sequence variant interpretation guidelines (Richards et al. 2015 PMID: 25741868, with internal and published modifications).

NM_080680.3(COL11A2):c.4231-4C>A

Gene: COL11A2 (collagen type XI alpha 2 chain; minus strand). Cytogenetic location: 6p21.32.
Variant type: single nucleotide variant.
Coding change: c.4231-4C>A on transcript NM_080680.3 (MANE Select); 4 bases into the intron before coding-DNA position 4231, C replaced by A.
Molecular consequence: intron variant.
Genome position (GRCh38, 1-based): chr6:33,166,831, G>T on the plus strand (C>A on the coding strand, the complement: COL11A2 is on the minus strand). VCF-style: chr6-33166831-G-T. GRCh37 (hg19) VCF-style: chr6-33134608-G-T.
Other names: c.3910-4C>A (NM_080679.3); c.3973-4C>A (NM_080681.3); c.4231-4C>A (NM_080680.2).
Identifiers: ClinVar variation 1928914 (VCV001928914.7), dbSNP rs564087840, ClinGen allele CA2580074368.